The following is an entry in ClinVar:

NM_002074.5(GNB1):c.227A>G (p.Asp76Gly)

Gene: GNB1 (G protein subunit beta 1; minus strand). Cytogenetic location: 1p36.33.
Variant type: single nucleotide variant.
Coding change: c.227A>G on transcript NM_002074.5 (MANE Select); coding-DNA position 227, A replaced by G.
Protein change: p.Asp76Gly; replaces aspartic acid 76 with glycine.
Molecular consequence: missense variant. On other transcripts: 5 prime UTR variant (1).
Genome position (GRCh38, 1-based): chr1:1,806,515, T>C on the plus strand (A>G on the coding strand, the complement: GNB1 is on the minus strand). VCF-style: chr1-1806515-T-C. GRCh37 (hg19) VCF-style: chr1-1737954-T-C.
Other names: c.-74A>G (NM_001282538.2); c.227A>G, p.Asp76Gly (NM_001282539.2); short protein forms D76G.
Identifiers: ClinVar variation 224711 (VCV000224711.12), dbSNP rs869312821, ClinGen allele CA353571.

ClinVar aggregate classification (germline): Pathogenic. Review status: criteria provided, multiple submitters, no conflicts (2 of 4 stars). 6 submissions from 5 submitters: Pathogenic (2). 4 of the submissions do not count toward it. Last evaluated 2022-11-01.

Conditions:
Intellectual developmental disorder, autosomal dominant 42. Also called: GNB1 Encephalopathy; Intellectual disability, autosomal dominant 42; Global developmental delay-neuro-ophthalmological abnormalities-seizures-intellectual disability syndrome. Identifiers: Orphanet 488613, MedGen C4310774, MONDO:0014855, OMIM 616973.
Acute lymphoid leukemia (ALL). Also called: Leukemia, acute lymphoblastic, somatic; Acute lymphoblastic leukemia; Acute lymphocytic leukemia; Lymphoblastic leukemia. Identifiers: MedGen C0023449, MONDO:0004967, OMIM 613065, HP:0006721, Orphanet 513.
Neurodevelopmental Disability.
Seizure. Also called: Seizures. Identifiers: MedGen C0036572, HP:0001250.
Hypotonia. Also called: poor muscle tone; Muscular hypotonia. Identifiers: MedGen C0026827, HP:0001252.
Intellectual disability. Also called: Intellectual functioning disability; intellectual disabilities; Intellectual developmental disorder. Identifiers: MedGen C3714756, MeSH D008607, MONDO:0001071, HP:0001249.
Floppy infant. Also called: Infantile muscular hypotonia. Identifiers: MedGen C1860834, HP:0008947.
Global developmental delay (DD). Also called: Cognitive delay. Identifiers: MedGen C0557874, HP:0001263. Disease mechanism: loss of function.

Submissions (6):

Labcorp Genetics (formerly Invitae), Labcorp
Classification: Pathogenic. Last evaluated: 2022-11-01. Review status: criteria provided, single submitter. Criteria: Invitae Variant Classification Sherloc (09022015). Collection method: clinical testing. Allele origin: germline.
Comment: For these reasons, this variant has been classified as Pathogenic. This variant disrupts the p.Asp76 amino acid residue in GNB1. Other variant(s) that disrupt this residue have been observed in individuals with GNB1-related conditions (PMID: 27108799), which suggests that this may be a clinically significant amino acid residue. Advanced modeling of protein sequence and biophysical properties (such as structural, functional, and spatial information, amino acid conservation, physicochemical variation, residue mobility, and thermodynamic stability) performed at Invitae indicates that this missense variant is expected to disrupt GNB1 protein function. ClinVar contains an entry for this variant (Variation ID: 224711). This missense change has been observed in individual(s) with intellectual disability syndrome (PMID: 27108799). In at least one individual the variant was observed to be de novo. This variant is not present in population databases (gnomAD no frequency). This sequence change replaces aspartic acid, which is acidic and polar, with glycine, which is neutral and non-polar, at codon 76 of the GNB1 protein (p.Asp76Gly).

GeneDx
Classification: Pathogenic. Last evaluated: 2021-06-29. Review status: criteria provided, single submitter. Criteria: GeneDx Variant Classification Process June 2021. Collection method: clinical testing. Allele origin: germline. Affected: yes.
Comment: Not observed in large population cohorts (Lek et al., 2016); In silico analysis supports that this missense variant has a deleterious effect on protein structure/function; This variant is associated with the following publications: (PMID: 27535533, 27108799)

OMIM
Classification: Pathogenic for INTELLECTUAL DEVELOPMENTAL DISORDER, AUTOSOMAL DOMINANT 42. Last evaluated: 2021-11-02. Review status: no assertion criteria provided. Collection method: literature only. Allele origin: unknown. Not counted in ClinVar's aggregate classification.

OMIM
Classification: Pathogenic for LEUKEMIA, ACUTE LYMPHOBLASTIC, SOMATIC. Last evaluated: 2021-11-02. Review status: no assertion criteria provided. Collection method: literature only. Allele origin: somatic. Not counted in ClinVar's aggregate classification.

University of Washington Center for Mendelian Genomics, University of Washington
Classification: Likely pathogenic for Neurodevelopmental Disability; Hypotonia; Seizures. Last evaluated: 2016-05-05. Review status: no assertion criteria provided. Collection method: research. Allele origin: unknown. Affected: yes. Observed: 1 heterozygote. Not counted in ClinVar's aggregate classification.

Genomics And Bioinformatics Analysis Resource, Columbia University
Classification: Pathogenic for Global developmental delay; Hypotonia; Intellectual disability; Floppy infant. Last evaluated: 2016-02-10. Review status: no assertion criteria provided. Collection method: research. Allele origin: de novo. Affected: yes. Observed: 1 variant allele. Not counted in ClinVar's aggregate classification.

Literature cited by the submitters: PubMed 27108799 (cited by 4 submitters); PubMed 25485910 (cited by OMIM).